The following is an entry in ClinVar:

NM_015164.4(PLEKHM2):c.1312C>T (p.Arg438Trp)

Gene: PLEKHM2 (pleckstrin homology and RUN domain containing M2; plus strand). Cytogenetic location: 1p36.21.
Variant type: single nucleotide variant.
Coding change: c.1312C>T on transcript NM_015164.4 (MANE Select); coding-DNA position 1312, C replaced by T.
Protein change: p.Arg438Trp; replaces arginine 438 with tryptophan.
Molecular consequence: missense variant.
Genome position (GRCh38, 1-based): chr1:15,727,384, C>T. VCF-style: chr1-15727384-C-T. GRCh37 (hg19) VCF-style: chr1-16053879-C-T.
Other names: short protein forms R438W.
Identifiers: ClinVar variation 1486793 (VCV001486793.6), dbSNP rs772221050, ClinGen allele CA616909.

ClinVar aggregate classification (germline): Uncertain significance (1 of 4 stars; one submission).

Allele frequency attached by ClinVar (database versions not stated): gnomAD 0.00001; ExAC 0.00002; TOPMed 0.00002.
gnomAD v4.1: 11 of 1,602,206 alleles (0.00069%); highest among the groups gnomAD compares: Admixed American, 0.0017%; no homozygotes.

Submission:

Labcorp Genetics (formerly Invitae), Labcorp
Classification: Uncertain significance. Last evaluated: 2024-11-04. Review status: criteria provided, single submitter. Criteria: Invitae Variant Classification Sherloc (09022015). Collection method: clinical testing. Allele origin: germline.
Comment: This sequence change replaces arginine, which is basic and polar, with tryptophan, which is neutral and slightly polar, at codon 438 of the PLEKHM2 protein (p.Arg438Trp). The frequency data for this variant in the population databases is considered unreliable, as metrics indicate poor data quality at this position in the gnomAD database. This variant has not been reported in the literature in individuals affected with PLEKHM2-related conditions. ClinVar contains an entry for this variant (Variation ID: 1486793). An algorithm developed to predict the effect of missense changes on protein structure and function (PolyPhen-2) suggests that this variant is likely to be disruptive. In summary, the available evidence is currently insufficient to determine the role of this variant in disease. Therefore, it has been classified as a Variant of Uncertain Significance.